The following is an entry in ClinVar:

ClinVar aggregate classification (germline): Uncertain significance. Review status: criteria provided, multiple submitters, no conflicts (2 of 4 stars). 2 submissions from 2 submitters: Uncertain significance (2). Last evaluated 2024-06-17.

Conditions:
Inborn genetic diseases. Identifiers: MedGen C0950123, MeSH D030342.

Allele frequency attached by ClinVar (database versions not stated): gnomAD 0.00001; TOPMed 0.00003.
gnomAD v4.1: 2 of 1,604,458 alleles (0.00012%); highest among the groups gnomAD compares: Admixed American, 0.0034%; no homozygotes.

Submissions (2):

Ambry Genetics
Classification: Uncertain significance for Inborn genetic diseases. Last evaluated: 2024-06-17. Review status: criteria provided, single submitter. Criteria: Ambry Variant Classification Scheme 2023. Collection method: clinical testing. Allele origin: germline.

Labcorp Genetics (formerly Invitae), Labcorp
Classification: Uncertain significance. Last evaluated: 2022-08-15. Review status: criteria provided, single submitter. Criteria: Invitae Variant Classification Sherloc (09022015). Collection method: clinical testing. Allele origin: germline.
Comment: This sequence change replaces glutamine, which is neutral and polar, with arginine, which is basic and polar, at codon 1418 of the MYO5A protein (p.Gln1418Arg). In summary, the available evidence is currently insufficient to determine the role of this variant in disease. Therefore, it has been classified as a Variant of Uncertain Significance. Algorithms developed to predict the effect of missense changes on protein structure and function are either unavailable or do not agree on the potential impact of this missense change (SIFT: "Tolerated"; PolyPhen-2: "Probably Damaging"; Align-GVGD: "Class C0"). This variant has not been reported in the literature in individuals affected with MYO5A-related conditions. This variant is not present in population databases (gnomAD no frequency).

NM_001382347.1(MYO5A):c.4328A>G (p.Gln1443Arg)

Gene: MYO5A (myosin VA; minus strand). Cytogenetic location: 15q21.2.
Variant type: single nucleotide variant.
Coding change: c.4328A>G on transcript NM_001382347.1 (MANE Select); coding-DNA position 4328, A replaced by G.
Protein change: p.Gln1443Arg; replaces glutamine 1443 with arginine.
Molecular consequence: missense variant.
Genome position (GRCh38, 1-based): chr15:52,336,543, T>C on the plus strand (A>G on the coding strand, the complement: MYO5A is on the minus strand). VCF-style: chr15-52336543-T-C. GRCh37 (hg19) VCF-style: chr15-52628740-T-C.
Other names: c.4253A>G, p.Gln1418Arg (NM_000259.3); c.4172A>G, p.Gln1391Arg (NM_001142495.2); c.4400A>G, p.Gln1467Arg (NM_001382348.1); c.4325A>G, p.Gln1442Arg (NM_001382349.1); c.4244A>G, p.Gln1415Arg (NM_001411135.1); short protein forms Q1391R, Q1415R, Q1418R, Q1442R, Q1443R, Q1467R.
Identifiers: ClinVar variation 2413620 (VCV002413620.7), dbSNP rs2039126872, ClinGen allele CA392511236.
Genomic context (GRCh38, chr15:52,336,543, plus strand): 5'-TTGGCAAATACTTTCAGTTGTTTTTTCAGTTTACGGACCGTCTTATCCTGTTTTTCAAGT[T>C]GTTCCATCAAATCCTAAAGATCAAAAAGAGAAATATATTAGAAAAATCGAAACAGGCCTT-3'
Protein context (NP_001369276.1, residues 1433-1453): LYKRMIDLME[Gln1443Arg]LEKQDKTVRK